The following is an entry in ClinVar:

ClinVar aggregate classification (germline): Uncertain significance (1 of 4 stars; one submission).

gnomAD v4.1: 1 of 1,613,684 alleles (0.000062%); highest among the groups gnomAD compares: Non-Finnish European, 0.000085%; no homozygotes.

Submission:

Labcorp Genetics (formerly Invitae), Labcorp
Classification: Uncertain significance. Last evaluated: 2021-11-13. Review status: criteria provided, single submitter. Criteria: Invitae Variant Classification Sherloc (09022015). Collection method: clinical testing. Allele origin: germline.
Comment: This sequence change falls in intron 43 of the ABCA4 gene. It does not directly change the encoded amino acid sequence of the ABCA4 protein. It affects a nucleotide within the consensus splice site. In summary, the available evidence is currently insufficient to determine the role of this variant in disease. Therefore, it has been classified as a Variant of Uncertain Significance. Variants that disrupt the consensus splice site are a relatively common cause of aberrant splicing (PMID: 17576681, 9536098). Algorithms developed to predict the effect of sequence changes on RNA splicing suggest that this variant may disrupt the consensus splice site. This variant has been observed in individual(s) with Stargardt disease (Invitae). This variant is not present in population databases (gnomAD no frequency).

Literature cited by the submitters: PubMed 17576681; PubMed 9536098.

NM_000350.3(ABCA4):c.6006-3C>A

Gene: ABCA4 (ATP binding cassette subfamily A member 4; minus strand). Cytogenetic location: 1p22.1.
Variant type: single nucleotide variant.
Coding change: c.6006-3C>A on transcript NM_000350.3 (MANE Select); 3 bases into the intron before coding-DNA position 6006, C replaced by A.
Molecular consequence: intron variant.
Genome position (GRCh38, 1-based): chr1:94,005,585, G>T on the plus strand (C>A on the coding strand, the complement: ABCA4 is on the minus strand). VCF-style: chr1-94005585-G-T. GRCh37 (hg19) VCF-style: chr1-94471141-G-T.
Identifiers: ClinVar variation 1404294 (VCV001404294.6), dbSNP rs767972465, ClinGen allele CA2573132682.